The following is an entry in ClinVar:

NM_000540.3(RYR1):c.10496G>C (p.Arg3499Pro)

Gene: RYR1 (ryanodine receptor 1; plus strand). Cytogenetic location: 19q13.2.
Variant type: single nucleotide variant.
Coding change: c.10496G>C on transcript NM_000540.3 (MANE Select); coding-DNA position 10496, G replaced by C.
Protein change: p.Arg3499Pro; replaces arginine 3499 with proline.
Molecular consequence: missense variant.
Genome position (GRCh38, 1-based): chr19:38,525,372, G>C. VCF-style: chr19-38525372-G-C. GRCh37 (hg19) VCF-style: chr19-39016012-G-C.
Other names: c.10481G>C, p.Arg3494Pro (NM_001042723.2); short protein forms R3499P, R3494P.
Identifiers: ClinVar variation 573631 (VCV000573631.11), dbSNP rs138324438, ClinGen allele CA053895.

ClinVar aggregate classification (germline): Uncertain significance. Review status: criteria provided, multiple submitters, no conflicts (2 of 4 stars). 4 submissions from 4 submitters: Uncertain significance (4). Last evaluated 2024-06-21.

Conditions:
Central core myopathy (CMYO1A). Also called: Central core disease; Myopathy, central fibrillar; CONGENITAL MYOPATHY 1A, AUTOSOMAL DOMINANT, WITH SUSCEPTIBILITY TO MALIGNANT HYPERTHERMIA. Identifiers: Orphanet 597, MedGen C5830701, MONDO:0007294, OMIM 117000.
King Denborough syndrome (KDS). Identifiers: MedGen C1840365, MONDO:0020485, OMIM 619542.
Malignant hyperthermia, susceptibility to, 1 (MHS1). Also called: RYR1-Related Malignant Hyperthermia Susceptibility; Malignant hyperthermia suceptibility 1; Anesthesia related hyperthermia; Malignant hyperpyrexia; Fulminating hyperpyrexia; Pharmacogenic myopathy. Identifiers: Orphanet 423, MedGen C2930980, MONDO:0007783, OMIM 145600.
Congenital multicore myopathy with external ophthalmoplegia (CMYO1B). Also called: Minicore myopathy with external ophthalmoplegia; MULTIMINICORE DISEASE WITH EXTERNAL OPHTHALMOPLEGIA; Congenital myopathy 1B, autosomal recessive; Minicore myopathy; MULTICORE MYOPATHY. Identifiers: Orphanet 598, Orphanet 98905, MedGen C1850674, MONDO:0009712, OMIM 255320, HP:0003789.
Congenital myopathy with fiber type disproportion. Also called: Congenital fiber-type disproportion myopathy; Congenital fiber-type disproportion. Identifiers: Orphanet 2020, MedGen C0546264, MONDO:0009711. Inheritance: all.
RYR1-related disorder. Also called: RYR1-related disorders; RYR1-related condition. Identifiers: MedGen CN239331.

Allele frequency attached by ClinVar (database versions not stated): gnomAD 0.00001; TOPMed 0.00001; ExAC 0.00004; ESP Exome Variant Server 0.00008.

Submissions (4):

Labcorp Genetics (formerly Invitae), Labcorp
Classification: Uncertain significance for RYR1-related disorder. Last evaluated: 2024-06-21. Review status: criteria provided, single submitter. Criteria: Invitae Variant Classification Sherloc (09022015). Collection method: clinical testing. Allele origin: germline.
Comment: This sequence change replaces arginine, which is basic and polar, with proline, which is neutral and non-polar, at codon 3499 of the RYR1 protein (p.Arg3499Pro). This variant is present in population databases (rs138324438, gnomAD 0.004%). This variant has not been reported in the literature in individuals affected with RYR1-related conditions. ClinVar contains an entry for this variant (Variation ID: 573631). Advanced modeling of protein sequence and biophysical properties (such as structural, functional, and spatial information, amino acid conservation, physicochemical variation, residue mobility, and thermodynamic stability) has been performed at Invitae for this missense variant, however the output from this modeling did not meet the statistical confidence thresholds required to predict the impact of this variant on RYR1 protein function. In summary, the available evidence is currently insufficient to determine the role of this variant in disease. Therefore, it has been classified as a Variant of Uncertain Significance.

All of Us Research Program, National Institutes of Health
Classification: Uncertain significance for Malignant hyperthermia, susceptibility to, 1. Last evaluated: 2023-05-15. Review status: criteria provided, single submitter. Criteria: ACMG Guidelines, 2015. Collection method: clinical testing. Allele origin: germline. Inheritance: Autosomal dominant inheritance. Observed: 2 variant alleles, 2 heterozygotes.
Comment: This study involves interpretation of variants in research participants for the purpose of population health screening. Participant phenotype was not available at the time of variant classification. Additional details can be found in publication PMID: 35346344, PMCID: PMC8962531

Fulgent Genetics
Classification: Uncertain significance for Central core myopathy; Malignant hyperthermia, susceptibility to, 1; Congenital myopathy 4A, autosomal dominant; Congenital multicore myopathy with external ophthalmoplegia; King Denborough syndrome. Last evaluated: 2021-07-08. Review status: criteria provided, single submitter. Criteria: ACMG Guidelines, 2015. Collection method: clinical testing. Allele origin: unknown.

Baylor Genetics
Classification: Uncertain significance for Central core myopathy. Last evaluated: 2019-03-01. Review status: criteria provided, single submitter. Criteria: ACMG Guidelines, 2015. Collection method: clinical testing. Allele origin: paternal. Affected: yes.
Comment: This variant was determined to be of uncertain significance according to ACMG Guidelines, 2015 [PMID:25741868].